The following is an entry in ClinVar:

ClinVar aggregate classification (germline): Uncertain significance. Review status: criteria provided, multiple submitters, no conflicts (2 of 4 stars). 2 submissions from 2 submitters: Uncertain significance (2). Last evaluated 2025-06-18.

Conditions:
Supravalvar aortic stenosis (SVAS). Also called: Supravalvar aortic stenosis, Eisenberg type. Identifiers: Orphanet 3193, MedGen C0003499, MONDO:0008504, OMIM 185500, HP:0004381.

Allele frequency attached by ClinVar (database versions not stated): gnomAD exomes 0.00001; TOPMed 0.00003; gnomAD 0.00003.

Submissions (2):

GeneDx
Classification: Uncertain significance. Last evaluated: 2025-06-18. Review status: criteria provided, single submitter. Criteria: GeneDx Variant Classification Process June 2021. Collection method: clinical testing. Allele origin: germline.
Comment: Has not been previously published as pathogenic or benign to our knowledge; Not observed at significant frequency in large population cohorts (gnomAD); In silico analysis suggests that this missense variant does not alter protein structure/function

Labcorp Genetics (formerly Invitae), Labcorp
Classification: Uncertain significance for Supravalvar aortic stenosis. Last evaluated: 2024-11-19. Review status: criteria provided, single submitter. Criteria: Invitae Variant Classification Sherloc (09022015). Collection method: clinical testing. Allele origin: germline.
Comment: This sequence change replaces alanine, which is neutral and non-polar, with serine, which is neutral and polar, at codon 694 of the ELN protein (p.Ala694Ser). This variant is present in population databases (no rsID available, gnomAD 0.002%). This variant has not been reported in the literature in individuals affected with ELN-related conditions. ClinVar contains an entry for this variant (Variation ID: 2504910). Invitae Evidence Modeling of protein sequence and biophysical properties (such as structural, functional, and spatial information, amino acid conservation, physicochemical variation, residue mobility, and thermodynamic stability) indicates that this missense variant is not expected to disrupt ELN protein function with a negative predictive value of 80%. In summary, the available evidence is currently insufficient to determine the role of this variant in disease. Therefore, it has been classified as a Variant of Uncertain Significance.

NM_000501.4(ELN):c.1894G>T (p.Ala632Ser)

Gene: ELN (elastin; plus strand). Cytogenetic location: 7q11.23.
Variant type: single nucleotide variant.
Coding change: c.1894G>T on transcript NM_000501.4 (MANE Select); coding-DNA position 1894, G replaced by T.
Protein change: p.Ala632Ser; replaces alanine 632 with serine.
Molecular consequence: missense variant.
Genome position (GRCh38, 1-based): chr7:74,063,345, G>T. VCF-style: chr7-74063345-G-T. GRCh37 (hg19) VCF-style: chr7-73477675-G-T.
Other names: c.1807G>T, p.Ala603Ser (NM_001081752.3); c.1852G>T, p.Ala618Ser (NM_001081753.3); c.1909G>T, p.Ala637Ser (NM_001081754.3); c.1837G>T, p.Ala613Ser (NM_001081755.3); c.1894G>T, p.Ala632Ser (NM_001278912.2); c.1651G>T, p.Ala551Ser (NM_001278913.2); c.1822G>T, p.Ala608Ser (NM_001278914.2); c.1912G>T, p.Ala638Ser (NM_001278915.2); and 4 more; short protein forms A543S, A551S, A584S, A603S, A608S, A613S, A618S, A622S.
Identifiers: ClinVar variation 2504910 (VCV002504910.5), dbSNP rs1400403964, ClinGen allele CA367889928.